The following is an entry in ClinVar:

ClinVar aggregate classification (germline): Uncertain significance. Review status: criteria provided, multiple submitters, no conflicts (2 of 4 stars). 4 submissions from 4 submitters: Uncertain significance (3). 1 of the submissions does not count toward it. Last evaluated 2026-04-23.

Conditions:
Usher syndrome type 1 (USH1). Also called: RETINITIS PIGMENTOSA AND CONGENITAL DEAFNESS. Identifiers: Orphanet 231169, Orphanet 886, MedGen C1568247, MONDO:0010168, OMIM 276900.
CDH23-related disorder. Also called: CDH23-related disorders; CDH23-related condition.

Allele frequency attached by ClinVar (database versions not stated): gnomAD exomes 0.00001 and 0.00002; ExAC 0.00003; gnomAD 0.00003; TOPMed 0.00006; ESP Exome Variant Server 0.00008.
gnomAD v4.1: 23 of 1,613,894 alleles (0.0014%); highest among the groups gnomAD compares: African/African-American, 0.0027%; no homozygotes.

Submissions (4):

PreventionGenetics, part of Exact Sciences
Classification: Uncertain significance for CDH23-related condition. Last evaluated: 2026-04-23. Review status: criteria provided, single submitter. Criteria: ACMG Guidelines, 2015. Collection method: clinical testing. Allele origin: germline.
Comment: The CDH23 c.79C>T variant is predicted to result in the amino acid substitution p.Arg27Trp. To our knowledge, this variant has not been reported in the literature. This variant is reported in 0.0065% of alleles in individuals of African descent in gnomAD. At this time, the clinical significance of this variant is uncertain due to the absence of conclusive functional and genetic evidence.

Labcorp Genetics (formerly Invitae), Labcorp
Classification: Uncertain significance. Last evaluated: 2024-10-10. Review status: criteria provided, single submitter. Criteria: Invitae Variant Classification Sherloc (09022015). Collection method: clinical testing. Allele origin: germline.
Comment: This sequence change replaces arginine, which is basic and polar, with tryptophan, which is neutral and slightly polar, at codon 27 of the CDH23 protein (p.Arg27Trp). This variant is present in population databases (rs370760723, gnomAD 0.007%). This variant has not been reported in the literature in individuals affected with CDH23-related conditions. ClinVar contains an entry for this variant (Variation ID: 990898). Invitae Evidence Modeling of protein sequence and biophysical properties (such as structural, functional, and spatial information, amino acid conservation, physicochemical variation, residue mobility, and thermodynamic stability) has been performed for this missense variant. However, the output from this modeling did not meet the statistical confidence thresholds required to predict the impact of this variant on CDH23 protein function. In summary, the available evidence is currently insufficient to determine the role of this variant in disease. Therefore, it has been classified as a Variant of Uncertain Significance.

Blueprint Genetics
Classification: Uncertain significance. Last evaluated: 2023-11-07. Review status: criteria provided, single submitter. Criteria: ACMG Guidelines, 2015. Collection method: clinical testing. Allele origin: germline.

Natera, Inc.
Classification: Uncertain significance for Usher syndrome type 1. Last evaluated: 2020-04-15. Review status: no assertion criteria provided. Collection method: clinical testing. Allele origin: germline. Not counted in ClinVar's aggregate classification.

NM_022124.6(CDH23):c.79C>T (p.Arg27Trp)

Gene: CDH23 (cadherin related 23; plus strand). Cytogenetic location: 10q22.1.
Variant type: single nucleotide variant.
Coding change: c.79C>T on transcript NM_022124.6 (MANE Select); coding-DNA position 79, C replaced by T.
Protein change: p.Arg27Trp; replaces arginine 27 with tryptophan.
Molecular consequence: missense variant.
Genome position (GRCh38, 1-based): chr10:71,446,329, C>T. VCF-style: chr10-71446329-C-T. GRCh37 (hg19) VCF-style: chr10-73206086-C-T.
Other names: c.79C>T, p.Arg27Trp (NM_001171930.2, NM_001171931.2, NM_001171932.2 and 1 more transcripts); c.79C>T (NM_022124.5); short protein forms R27W.
Identifiers: ClinVar variation 990898 (VCV000990898.6), dbSNP rs370760723, ClinGen allele CA5543290.